The following is an entry in ClinVar:

ClinVar aggregate classification (germline): Pathogenic/Likely pathogenic. Review status: criteria provided, multiple submitters, no conflicts (2 of 4 stars). 2 submissions from 2 submitters: Pathogenic (1); Likely pathogenic (1). Last evaluated 2025-12-15.

Conditions:
Monogenic hearing loss.
STRC-related disorder. Also called: STRC-related condition.

Submissions (2):

PreventionGenetics, part of Exact Sciences
Classification: Likely pathogenic for STRC-related condition. Last evaluated: 2025-12-15. Review status: criteria provided, single submitter. Criteria: ACMG Guidelines, 2015. Collection method: clinical testing. Allele origin: germline.
Comment: The STRC c.4616delG variant is predicted to result in a frameshift and premature protein termination (p.Gly1539Glufs*8). To our knowledge, this variant has not been reported in the literature. This variant is reported in 0.0033% of alleles in individuals of South Asian descent in gnomAD. Frameshift variants in STRC are expected to be pathogenic. This variant is interpreted as likely pathogenic.

Genetics Laboratory, Great Ormond Street Hospital NHS Foundation Trust, North Thames Genomic Laboratory Hub
Classification: Pathogenic for Monogenic hearing loss. Last evaluated: 2025-09-24. Review status: criteria provided, single submitter. Criteria: ACGS Best Practice Guidelines for Variant Classification in Rare Disease 2024 v1.2. Collection method: clinical testing. Allele origin: germline. Affected: yes.
Comment: PM2_moderate, PVS1_very-strong, PM3_strong

NM_153700.2(STRC):c.4616del (p.Gly1539fs)

Gene: STRC (stereocilin; minus strand). Cytogenetic location: 15q15.3.
Variant type: Deletion.
Coding change: c.4616del on transcript NM_153700.2 (MANE Select); coding-DNA position 4616, one base deleted (G; older notation c.4616delG).
Protein change: p.Gly1539fs; shifts the reading frame from glycine 1539.
Molecular consequence: frameshift variant.
Genome position (GRCh38, 1-based): chr15:43,601,481, C deleted on the plus strand (G on the coding strand, the reverse complement: STRC is on the minus strand); the first of 2 consecutive C bases (chr15:43,601,481-43,601,482); deleting either gives the same sequence. VCF-style (leftmost placement, unchanged base first): chr15-43601480-TC-T. GRCh37 (hg19) VCF-style: chr15-43893678-TC-T.
Other names: c.4616delG (NM_153700.2); short protein forms G1539fs.
Identifiers: ClinVar variation 4530627 (VCV004530627.2).